The following is an entry in ClinVar:

ClinVar aggregate classification (germline): Benign/Likely benign. Review status: criteria provided, multiple submitters, no conflicts (2 of 4 stars). 4 submissions from 4 submitters: Benign (3); Likely benign (1). Last evaluated 2026-01-27.

Allele frequency attached by ClinVar (database versions not stated): gnomAD exomes 0.00318; ExAC 0.00401; gnomAD 0.01253 and 0.01345; 1000 Genomes Project 0.01298; 1000 Genomes Project 30x 0.01390; ESP Exome Variant Server 0.01407; TOPMed 0.01413.

Submissions (4):

Labcorp Genetics (formerly Invitae), Labcorp
Classification: Benign. Last evaluated: 2026-01-27. Review status: criteria provided, single submitter. Criteria: Invitae Variant Classification Sherloc (09022015). Collection method: clinical testing. Allele origin: germline.

Blueprint Genetics
Classification: Likely benign. Last evaluated: 2024-11-07. Review status: criteria provided, single submitter. Criteria: ACMG Guidelines, 2015. Collection method: clinical testing. Allele origin: germline.

Mayo Clinic Laboratories, Mayo Clinic
Classification: Benign. Last evaluated: 2021-11-05. Review status: criteria provided, single submitter. Criteria: ACMG Guidelines, 2015. Collection method: clinical testing. Allele origin: germline. Observed: 14 variant alleles.
Comment: BA1

GeneDx
Classification: Benign. Last evaluated: 2014-03-31. Review status: criteria provided, single submitter. Criteria: GeneDx Variant Classification (06012015). Collection method: clinical testing. Allele origin: germline. Affected: yes.
Comment: This variant is considered likely benign or benign based on one or more of the following criteria: it is a conservative change, it occurs at a poorly conserved position in the protein, it is predicted to be benign by multiple in silico algorithms, and/or has population frequency not consistent with disease.

NM_017909.4(RMND1):c.858A>T (p.Glu286Asp)

Gene: RMND1 (required for meiotic nuclear division 1 homolog; minus strand). Cytogenetic location: 6q25.1.
Variant type: single nucleotide variant.
Coding change: c.858A>T on transcript NM_017909.4 (MANE Select); coding-DNA position 858, A replaced by T.
Protein change: p.Glu286Asp; replaces glutamic acid 286 with aspartic acid.
Molecular consequence: missense variant.
Genome position (GRCh38, 1-based): chr6:151,423,604, T>A on the plus strand (A>T on the coding strand, the complement: RMND1 is on the minus strand). VCF-style: chr6-151423604-T-A. GRCh37 (hg19) VCF-style: chr6-151744739-T-A.
Other names: p.E286D:GAA>GAT; p.Glu286Asp; c.348A>T, p.Glu116Asp (NM_001271937.2); short protein forms E286D, E116D.
Identifiers: ClinVar variation 138914 (VCV000138914.14), dbSNP rs35188477, ClinGen allele CA293083.